The following is an entry in ClinVar:

NM_001267550.2(TTN):c.91621G>A (p.Gly30541Arg)

Genes: TTN-AS1 (TTN antisense RNA 1; plus strand), TTN (titin; minus strand). Cytogenetic location: 2q31.2.
Variant type: single nucleotide variant.
Coding change: c.91621G>A on transcript NM_001267550.2 (MANE Select); coding-DNA position 91621, G replaced by A.
Protein change: p.Gly30541Arg; replaces glycine 30541 with arginine.
Molecular consequence: missense variant.
Genome position (GRCh38, 1-based): chr2:178,550,217, C>T on the plus strand (G>A on the coding strand, the complement: TTN is on the minus strand). VCF-style: chr2-178550217-C-T. GRCh37 (hg19) VCF-style: chr2-179414944-C-T.
Other names: c.83917G>A, p.Gly27973Arg (NM_133378.4); c.86698G>A, p.Gly28900Arg (NM_001256850.1); c.64426G>A, p.Gly21476Arg (NM_003319.4); c.64801G>A, p.Gly21601Arg (NM_133432.3); c.65002G>A, p.Gly21668Arg (NM_133437.4); short protein forms G30541R, G27973R, G28900R, G21476R, G21601R, G21668R.
Identifiers: ClinVar variation 47513 (VCV000047513.24), dbSNP rs200854704, ClinGen allele CA141232.

ClinVar aggregate classification (germline): Conflicting classifications of pathogenicity. Review status: criteria provided, conflicting classifications (1 of 4 stars). 16 submissions from 12 submitters: Uncertain significance (10); Benign (2); Likely benign (4). Last evaluated 2025-09-23.

Conditions:
Distal myopathy. Identifiers: Orphanet 599, MedGen C0751336, MONDO:0018949.
Cardiovascular phenotype. Identifiers: MedGen CN230736.
Autosomal recessive limb-girdle muscular dystrophy type 2J (LGMDR10). Also called: Limb-girdle muscular dystrophy, type 2J; MUSCULAR DYSTROPHY, LIMB-GIRDLE, AUTOSOMAL RECESSIVE 10. Identifiers: Orphanet 140922, MedGen C1837342, MONDO:0012127, OMIM 608807.
Dilated cardiomyopathy 1G (CMD1G). Identifiers: Orphanet 154, MedGen C1858763, MONDO:0011400, OMIM 604145.
Early-onset myopathy with fatal cardiomyopathy (CMYO5). Also called: Salih Myopathy; CONGENITAL MYOPATHY 5 WITH CARDIOMYOPATHY. Identifiers: Orphanet 289377, MedGen C2673677, MONDO:0012714, OMIM 611705. Disease mechanism: loss of function.
Myopathy, myofibrillar, 9, with early respiratory failure (MFM9). Also called: EDSTROM MYOPATHY; MYOPATHY, PROXIMAL, WITH EARLY RESPIRATORY MUSCLE INVOLVEMENT; Hereditary myopathy with early respiratory failure; Myopathy, distal, with early respiratory failure, autosomal dominant. Identifiers: Orphanet 178464, Orphanet 34521, MedGen C1863599, MONDO:0011362, OMIM 603689.
Tibial muscular dystrophy (TMD). Also called: Udd Distal Myopathy – Tibial Muscular Dystrophy; UDD MYOPATHY; Tibial muscular dystrophy, tardive. Identifiers: Orphanet 609, MedGen C1838244, MONDO:0010870, OMIM 600334.

Allele frequency attached by ClinVar (database versions not stated): ESP Exome Variant Server 0.00008; gnomAD exomes 0.00008 and 0.00014; ExAC 0.00010; gnomAD 0.00010 and 0.00011; TOPMed 0.00011.
gnomAD v4.1: 221 of 1,613,426 alleles (0.014%); highest among the groups gnomAD compares: Non-Finnish European, 0.017%; no homozygotes.

Submissions (16):

Women's Health and Genetics/Laboratory Corporation of America, LabCorp
Classification: Uncertain significance. Last evaluated: 2025-09-23. Review status: criteria provided, single submitter. Criteria: LabCorp Variant Classification Summary - May 2015. Collection method: clinical testing. Allele origin: germline.
Comment: Variant summary: TTN c.83917G>A (p.Gly27973Arg) results in a non-conservative amino acid change in the encoded protein sequence. Algorithms developed to predict the effect of missense changes on protein structure and function all suggest that this variant is likely to be disruptive. The variant allele was found at a frequency of 8.5e-05 in 248412 control chromosomes. This frequency is not significantly higher than estimated for disease-causing variants in TTN, allowing no conclusion about variant significance. To our knowledge, no occurrence of c.83917G>A in individuals affected with TTN-related conditions and no experimental evidence demonstrating its impact on protein function have been reported. ClinVar contains an entry for this variant (Variation ID: 47513). Based on the evidence outlined above, the variant was classified as uncertain significance.

Blueprint Genetics
Classification: Likely benign. Last evaluated: 2024-10-09. Review status: criteria provided, single submitter. Criteria: ACMG Guidelines, 2015. Collection method: clinical testing. Allele origin: germline.

Revvity Omics, Revvity
Classification: Uncertain significance. Last evaluated: 2024-07-03. Review status: criteria provided, single submitter. Criteria: ACMG Guidelines, 2015. Collection method: clinical testing. Allele origin: germline.

Mayo Clinic Laboratories, Mayo Clinic
Classification: Uncertain significance. Last evaluated: 2023-07-28. Review status: criteria provided, single submitter. Criteria: ACMG Guidelines, 2015. Collection method: clinical testing. Allele origin: germline. Observed: 1 variant allele.

Ambry Genetics
Classification: Likely benign for Cardiovascular phenotype. Last evaluated: 2020-09-16. Review status: criteria provided, single submitter. Criteria: Ambry Variant Classification Scheme 2023. Collection method: clinical testing. Allele origin: germline.

GeneDx
Classification: Likely benign. Last evaluated: 2020-03-19. Review status: criteria provided, single submitter. Criteria: GeneDx Variant Classification Process June 2021. Collection method: clinical testing. Allele origin: germline. Affected: yes.

Cambridge Genomics Laboratory, East Genomic Laboratory Hub, NHS Genomic Medicine Service
Classification: Uncertain significance for Distal myopathy. Last evaluated: 2019-11-28. Review status: criteria provided, single submitter. Criteria: ACGS Best Practice Guidelines for Variant Classification in Rare Disease 2020. Collection method: clinical testing. Allele origin: germline. Affected: yes. Observed: 1 variant allele.

Illumina Laboratory Services, Illumina
Classification: Uncertain significance for Dilated cardiomyopathy 1G. Last evaluated: 2018-01-13. Review status: criteria provided, single submitter. Criteria: ICSL Variant Classification Criteria 13 December 2019. Collection method: clinical testing. Allele origin: germline.

Illumina Laboratory Services, Illumina
Classification: Benign for Tibial muscular dystrophy. Last evaluated: 2018-01-13. Review status: criteria provided, single submitter. Criteria: ICSL Variant Classification Criteria 13 December 2019. Collection method: clinical testing. Allele origin: germline.
Comment: This variant was observed in the ICSL laboratory as part of a predisposition screen in an ostensibly healthy population. It had not been previously curated by ICSL or reported in the Human Gene Mutation Database (HGMD: prior to June 1st, 2018), and was therefore a candidate for classification through an automated scoring system. Utilizing variant allele frequency, disease prevalence and penetrance estimates, and inheritance mode, an automated score was calculated to assess if this variant is too frequent to cause the disease. Based on the score and internal cut-off values, a variant classified as benign is not then subjected to further curation. The score for this variant resulted in a classification of benign for this disease.

Illumina Laboratory Services, Illumina
Classification: Benign for Myopathy, myofibrillar, 9, with early respiratory failure. Last evaluated: 2018-01-13. Review status: criteria provided, single submitter. Criteria: ICSL Variant Classification Criteria 13 December 2019. Collection method: clinical testing. Allele origin: germline.
Comment: the same text as in the submission from Illumina Laboratory Services, Illumina above.

Illumina Laboratory Services, Illumina
Classification: Uncertain significance for Autosomal recessive limb-girdle muscular dystrophy type 2J. Last evaluated: 2018-01-13. Review status: criteria provided, single submitter. Criteria: ICSL Variant Classification Criteria 13 December 2019. Collection method: clinical testing. Allele origin: germline.

Illumina Laboratory Services, Illumina
Classification: Uncertain significance for Early-onset myopathy with fatal cardiomyopathy. Last evaluated: 2018-01-13. Review status: criteria provided, single submitter. Criteria: ICSL Variant Classification Criteria 13 December 2019. Collection method: clinical testing. Allele origin: germline.

Labcorp Genetics (formerly Invitae), Labcorp
Classification: Uncertain significance for Dilated cardiomyopathy 1G; Autosomal recessive limb-girdle muscular dystrophy type 2J. Last evaluated: 2017-11-27. Review status: criteria provided, single submitter. Criteria: Invitae Variant Classification Sherloc (09022015). Collection method: clinical testing. Allele origin: germline.

Stanford Center for Inherited Cardiovascular Disease, Stanford University
Classification: Uncertain significance. Last evaluated: 2017-08-10. Review status: criteria provided, single submitter. Criteria: ACMG Guidelines, 2015. Collection method: provider interpretation. Allele origin: germline.

Laboratory for Molecular Medicine, Mass General Brigham Personalized Medicine
Classification: Uncertain significance. Last evaluated: 2017-07-20. Review status: criteria provided, single submitter. Criteria: LMM Criteria. Collection method: clinical testing. Allele origin: germline. Observed: 4 variant alleles.
Comment: Variant classified as Uncertain Significance - Favor Benign. It has also been identified in 23/276266 pan ethnic chromosomes by the Genome Aggregation Database (gnomAD; dbSNP rs200854704). Computational prediction tools and con servation analysis do not provide strong support for or against an impact to the protein. In summary, while the clinical significance of the p.Gly27973Arg varia nt is uncertain, these data suggest that it is more likely to be benign.

Biesecker Lab/Clinical Genomics Section, National Institutes of Health
Classification: Likely benign. Last evaluated: 2013-06-24. Review status: criteria provided, single submitter. Criteria: Ng et al. (Circ Cardiovasc Genet. 2013). Collection method: research. Allele origin: unknown. Observed: 2 variant alleles. Study: ClinSeq.
Comment: The study set was not selected for affection status in relation to any cancer. Pathogenicity categories were based on literature curation. See Pubmed ID:23861362 for details.

Medical sequencing

Literature cited by the submitters: PubMed 23861362 (cited by 3 submitters).